The following is an entry in ClinVar:

ClinVar aggregate classification (germline): Likely pathogenic (1 of 4 stars; one submission).

Submission:

CeGaT Center for Human Genetics Tuebingen
Classification: Likely pathogenic. Last evaluated: 2024-02-01. Review status: criteria provided, single submitter. Criteria: CeGaT Center For Human Genetics Tuebingen Variant Classification Criteria Version 2. Collection method: clinical testing. Allele origin: germline. Affected: yes. Observed: 1 variant allele.
Comment: KCNQ2: PM2, PS2:Moderate, PP2, PP3

NM_172107.4(KCNQ2):c.1078T>G (p.Trp360Gly)

Gene: KCNQ2 (potassium voltage-gated channel subfamily Q member 2; minus strand). Cytogenetic location: 20q13.33.
Variant type: single nucleotide variant.
Coding change: c.1078T>G on transcript NM_172107.4 (MANE Select); coding-DNA position 1078, T replaced by G.
Protein change: p.Trp360Gly; replaces tryptophan 360 with glycine.
Molecular consequence: missense variant.
Genome position (GRCh38, 1-based): chr20:63,433,849, A>C on the plus strand (T>G on the coding strand, the complement: KCNQ2 is on the minus strand). VCF-style: chr20-63433849-A-C. GRCh37 (hg19) VCF-style: chr20-62065202-A-C.
Other names: c.1078T>G, p.Trp360Gly (NM_001382235.1, NM_004518.6, NM_172106.3 and 2 more transcripts); short protein forms W360G.
Identifiers: ClinVar variation 2571143 (VCV002571143.27), dbSNP rs2080904141, ClinGen allele CA409651128.